The following is an entry in ClinVar:

ClinVar aggregate classification (germline): Uncertain significance (1 of 4 stars; one submission).

Conditions:
Lethal multiple pterygium syndrome (LMPS). Identifiers: Orphanet 33108, MedGen C1854678, MONDO:0009668, OMIM 253290.

Allele frequency attached by ClinVar (database versions not stated): ExAC 0.00001; gnomAD 0.00001; TOPMed 0.00001; gnomAD exomes 0.00002.

Submission:

Labcorp Genetics (formerly Invitae), Labcorp
Classification: Uncertain significance for Lethal multiple pterygium syndrome. Last evaluated: 2025-10-02. Review status: criteria provided, single submitter. Criteria: Invitae Variant Classification Sherloc (09022015). Collection method: clinical testing. Allele origin: germline.
Comment: This sequence change falls in intron 8 of the CHRND gene. It does not directly change the encoded amino acid sequence of the CHRND protein. It affects a nucleotide within the consensus splice site. This variant is present in population databases (rs772540464, gnomAD 0.005%). This variant has not been reported in the literature in individuals affected with CHRND-related conditions. ClinVar contains an entry for this variant (Variation ID: 664583). Variants that disrupt the consensus splice site are a relatively common cause of aberrant splicing (PMID: 17576681, 9536098). Algorithms developed to predict the effect of sequence changes on RNA splicing suggest that this variant is not likely to affect RNA splicing. In summary, the available evidence is currently insufficient to determine the role of this variant in disease. Therefore, it has been classified as a Variant of Uncertain Significance.

Literature cited by the submitters: PubMed 17576681; PubMed 9536098.

NM_000751.3(CHRND):c.932+3G>A

Gene: CHRND (cholinergic receptor nicotinic delta subunit; plus strand). Cytogenetic location: 2q37.1.
Variant type: single nucleotide variant.
Coding change: c.932+3G>A on transcript NM_000751.3 (MANE Select); 3 bases into the intron after coding-DNA position 932, G replaced by A.
Molecular consequence: intron variant.
Genome position (GRCh38, 1-based): chr2:232,531,466, G>A. VCF-style: chr2-232531466-G-A. GRCh37 (hg19) VCF-style: chr2-233396176-G-A.
Other names: c.350+3G>A (NM_001311195.2); c.629+3G>A (NM_001311196.2); c.887+3G>A (NM_001256657.2).
Identifiers: ClinVar variation 664583 (VCV000664583.8), dbSNP rs772540464, ClinGen allele CA2168196.